The following is an entry in ClinVar:

NM_006734.4(HIVEP2):c.3807T>C (p.Ala1269=)

Gene: HIVEP2 (HIVEP zinc finger 2; minus strand). Cytogenetic location: 6q24.2.
Variant type: single nucleotide variant.
Coding change: c.3807T>C on transcript NM_006734.4 (MANE Select); coding-DNA position 3807, T replaced by C.
Protein change: p.Ala1269=; no amino-acid change (alanine 1269 retained).
Molecular consequence: synonymous variant.
Genome position (GRCh38, 1-based): chr6:142,770,932, A>G on the plus strand (T>C on the coding strand, the complement: HIVEP2 is on the minus strand). VCF-style: chr6-142770932-A-G. GRCh37 (hg19) VCF-style: chr6-143092069-A-G.
Identifiers: ClinVar variation 737385 (VCV000737385.11), dbSNP rs199624029, ClinGen allele CA4028180.
Genomic context (GRCh38, chr6:142,770,932, plus strand): 5'-GTGTAGCCCTGATGCTCCTGAATAACATGGGTAGGTCTGCTCTTTCGTGTGTGCATACTC[A>G]GCAGGTTTCTTTCCAGTGTGCTCTGCCACATGCTCTAAGGGATAGCTCGAATGGATTTCT-3'
Protein context (NP_006725.3, residues 1259-1279): HVAEHTGKKP[Ala1269=]EYAHTKEQTY

ClinVar aggregate classification (germline): Benign. Review status: criteria provided, single submitter (1 of 4 stars). 2 submissions from 2 submitters: Benign (1). 1 of the submissions does not count toward it. Last evaluated 2025-11-12.

Conditions:
HIVEP2-related disorder. Also called: HIVEP2-related condition.

Allele frequency attached by ClinVar (database versions not stated): gnomAD exomes 0.00006 and 0.00014; ExAC 0.00019; ESP Exome Variant Server 0.00040; gnomAD 0.00078 and 0.00083; TOPMed 0.00080; 1000 Genomes Project 0.00120; 1000 Genomes Project 30x 0.00156.
gnomAD v4.1: 211 of 1,614,196 alleles (0.013%); highest among the groups gnomAD compares: African/African-American, 0.26%; 1 homozygote.

Submissions (2):

Labcorp Genetics (formerly Invitae), Labcorp
Classification: Benign. Last evaluated: 2025-11-12. Review status: criteria provided, single submitter. Criteria: Invitae Variant Classification Sherloc (09022015). Collection method: clinical testing. Allele origin: germline.

PreventionGenetics, part of Exact Sciences
Classification: Likely benign for HIVEP2-related condition. Last evaluated: 2019-04-11. Review status: no assertion criteria provided. Collection method: clinical testing. Allele origin: germline. Not counted in ClinVar's aggregate classification.
Comment: This variant is classified as likely benign based on ACMG/AMP sequence variant interpretation guidelines (Richards et al. 2015 PMID: 25741868, with internal and published modifications).